The following is an entry in ClinVar:

NM_001131016.2(CIZ1):c.1934C>G (p.Thr645Arg)

Gene: CIZ1 (CDKN1A interacting zinc finger protein 1; minus strand). Cytogenetic location: 9q34.11.
Variant type: single nucleotide variant.
Coding change: c.1934C>G on transcript NM_001131016.2 (MANE Select); coding-DNA position 1934, C replaced by G.
Protein change: p.Thr645Arg; replaces threonine 645 with arginine.
Molecular consequence: missense variant.
Genome position (GRCh38, 1-based): chr9:128,176,360, G>C on the plus strand (C>G on the coding strand, the complement: CIZ1 is on the minus strand). VCF-style: chr9-128176360-G-C. GRCh37 (hg19) VCF-style: chr9-130938639-G-C.
Other names: c.1766C>G, p.Thr589Arg (NM_001131015.2); c.1751C>G, p.Thr584Arg (NM_001131017.2); c.1694C>G, p.Thr565Arg (NM_001131018.2); c.2024C>G, p.Thr675Arg (NM_001257975.2); c.1631C>G, p.Thr544Arg (NM_001257976.2); c.1934C>G, p.Thr645Arg (NM_012127.3); c.1934C>G (NM_012127.2); short protein forms T589R, T565R, T675R, T544R, T584R, T645R.
Identifiers: ClinVar variation 2061834 (VCV002061834.6), dbSNP rs148662426, ClinGen allele CA5257201.
Genomic context (GRCh38, chr9:128,176,360, plus strand): 5'-CGATGAGACTGCCTACCCCCCAACACAGAGCTTCCACGATCCCCCACTCACTCATCCTCT[G>C]TCTCCAGGACGTCCCGGGGCACGGGCAGCAGGGACAGGAGGCAGGCTTGGCTCATGTGCT-3'
Protein context (NP_001124488.1, residues 635-655): LLPVPRDVLE[Thr645Arg]EDEEPPPRRW

ClinVar aggregate classification (germline): Conflicting classifications of pathogenicity. Review status: criteria provided, conflicting classifications (1 of 4 stars). 2 submissions from 2 submitters: Uncertain significance (1); Likely benign (1). Last evaluated 2025-11-12.

Conditions:
Dystonic disorder. Also called: Dystonia. Identifiers: MedGen C0013421, MONDO:0003441, HP:0001332.

Allele frequency attached by ClinVar (database versions not stated): ExAC 0.00007; gnomAD 0.00013; TOPMed 0.00019; gnomAD exomes 0.00027; ESP Exome Variant Server 0.00038.
gnomAD v4.1: 405 of 1,613,824 alleles (0.025%); highest among the groups gnomAD compares: Non-Finnish European, 0.033%; no homozygotes.

Submissions (2):

Labcorp Genetics (formerly Invitae), Labcorp
Classification: Uncertain significance for Dystonic disorder. Last evaluated: 2025-11-12. Review status: criteria provided, single submitter. Criteria: Invitae Variant Classification Sherloc (09022015). Collection method: clinical testing. Allele origin: germline.
Comment: This sequence change replaces threonine, which is neutral and polar, with arginine, which is basic and polar, at codon 645 of the CIZ1 protein (p.Thr645Arg). This variant is present in population databases (rs148662426, gnomAD 0.02%). This variant has not been reported in the literature in individuals affected with CIZ1-related conditions. ClinVar contains an entry for this variant (Variation ID: 2061834). An algorithm developed to predict the effect of missense changes on protein structure and function outputs the following: PolyPhen-2: "Benign". The arginine amino acid residue is found in multiple mammalian species, which suggests that this missense change does not adversely affect protein function. In summary, the available evidence is currently insufficient to determine the role of this variant in disease. Therefore, it has been classified as a Variant of Uncertain Significance.

Ambry Genetics
Classification: Likely benign. Last evaluated: 2023-06-30. Review status: criteria provided, single submitter. Criteria: Ambry Variant Classification Scheme 2023. Collection method: clinical testing. Allele origin: germline.